The following is an entry in ClinVar:

ClinVar aggregate classification (germline): Likely benign (1 of 4 stars; one submission).

Allele frequency attached by ClinVar (database versions not stated): ESP Exome Variant Server 0.00008; ExAC 0.00012; gnomAD 0.00013; gnomAD exomes 0.00013; TOPMed 0.00014; 1000 Genomes Project 30x 0.00031; 1000 Genomes Project 0.00040.
gnomAD v4.1: 230 of 1,614,140 alleles (0.014%); highest among the groups gnomAD compares: Middle Eastern, 0.31%; 1 homozygote.

Submission:

CeGaT Center for Human Genetics Tuebingen
Classification: Likely benign. Last evaluated: 2023-03-01. Review status: criteria provided, single submitter. Criteria: CeGaT Center For Human Genetics Tuebingen Variant Classification Criteria Version 2. Collection method: clinical testing. Allele origin: germline. Affected: yes. Observed: 1 variant allele.
Comment: ASB15: BP4, BP7

NM_001290258.2(ASB15):c.1146C>T (p.Asn382=)

Gene: ASB15 (ankyrin repeat and SOCS box containing 15; plus strand). Cytogenetic location: 7q31.32.
Variant type: single nucleotide variant.
Coding change: c.1146C>T on transcript NM_001290258.2 (MANE Select); coding-DNA position 1146, C replaced by T.
Protein change: p.Asn382=; no amino-acid change (asparagine 382 retained).
Molecular consequence: synonymous variant.
Genome position (GRCh38, 1-based): chr7:123,629,140, C>T. VCF-style: chr7-123629140-C-T. GRCh37 (hg19) VCF-style: chr7-123269194-C-T.
Other names: c.1146C>T, p.Asn382= (NM_080928.4).
Identifiers: ClinVar variation 2657973 (VCV002657973.24), dbSNP rs189012920, ClinGen allele CA4462762.